The following is an entry in ClinVar:

NM_033131.4(WNT3A):c.937G>A (p.Gly313Ser)

Gene: WNT3A (Wnt family member 3A; plus strand). Cytogenetic location: 1q42.13.
Variant type: single nucleotide variant.
Coding change: c.937G>A on transcript NM_033131.4 (MANE Select); coding-DNA position 937, G replaced by A.
Protein change: p.Gly313Ser; replaces glycine 313 with serine.
Molecular consequence: missense variant.
Genome position (GRCh38, 1-based): chr1:228,059,343, G>A. VCF-style: chr1-228059343-G-A. GRCh37 (hg19) VCF-style: chr1-228247044-G-A.
Other names: short protein forms G313S.
Identifiers: ClinVar variation 3470830 (VCV003470830.3).
Genomic context (GRCh38, chr1:228,059,343, plus strand): 5'-CGCGACCGCACCTGCAACGTCAGCTCGCACGGCATCGACGGCTGCGACCTGCTGTGCTGC[G>A]GCCGCGGCCACAACGCGCGAGCGGAGCGGCGCCGGGAGAAGTGCCGCTGCGTGTTCCACT-3'
Protein context (NP_149122.1, residues 303-323): GIDGCDLLCC[Gly313Ser]RGHNARAERR

ClinVar aggregate classification (germline): Uncertain significance. Review status: criteria provided, multiple submitters, no conflicts (2 of 4 stars). 2 submissions from 2 submitters: Uncertain significance (2). Last evaluated 2024-10-21.

Submissions (2):

Ambry Genetics
Classification: Uncertain significance. Last evaluated: 2024-10-21. Review status: criteria provided, single submitter. Criteria: Ambry Variant Classification Scheme 2023. Collection method: clinical testing. Allele origin: germline.

Labcorp Genetics (formerly Invitae), Labcorp
Classification: Uncertain significance. Last evaluated: 2024-03-07. Review status: criteria provided, single submitter. Criteria: Invitae Variant Classification Sherloc (09022015). Collection method: clinical testing. Allele origin: germline.
Comment: This sequence change replaces glycine, which is neutral and non-polar, with serine, which is neutral and polar, at codon 313 of the WNT3A protein (p.Gly313Ser). This variant is present in population databases (no rsID available, gnomAD 0.007%). This variant has not been reported in the literature in individuals affected with WNT3A-related conditions. Advanced modeling of protein sequence and biophysical properties (such as structural, functional, and spatial information, amino acid conservation, physicochemical variation, residue mobility, and thermodynamic stability) performed at Invitae indicates that this missense variant is not expected to disrupt WNT3A protein function with a negative predictive value of 80%. In summary, the available evidence is currently insufficient to determine the role of this variant in disease. Therefore, it has been classified as a Variant of Uncertain Significance.